The following is an entry in ClinVar:

NM_000094.4(COL7A1):c.2392G>A (p.Gly798Arg)

Gene: COL7A1 (collagen type VII alpha 1 chain; minus strand). Cytogenetic location: 3p21.31.
Variant type: single nucleotide variant.
Coding change: c.2392G>A on transcript NM_000094.4 (MANE Select); coding-DNA position 2392, G replaced by A.
Protein change: p.Gly798Arg; replaces glycine 798 with arginine.
Molecular consequence: missense variant.
Genome position (GRCh38, 1-based): chr3:48,588,918, C>T on the plus strand (G>A on the coding strand, the complement: COL7A1 is on the minus strand). VCF-style: chr3-48588918-C-T. GRCh37 (hg19) VCF-style: chr3-48626351-C-T.
Other names: short protein forms G798R.
Identifiers: ClinVar variation 225325 (VCV000225325.16), dbSNP rs202237834, ClinGen allele CA2380900.

ClinVar aggregate classification (germline): Conflicting classifications of pathogenicity. Review status: criteria provided, conflicting classifications (1 of 4 stars). 4 submissions from 4 submitters: Uncertain significance (2); Likely benign (1). 1 of the submissions does not count toward it. Last evaluated 2026-01-14.

Conditions:
Recessive dystrophic epidermolysis bullosa (RDEB). Also called: Epidermolysis Bullosa Distrophica Autosomal Recessive (RDEB); EPIDERMOLYSIS BULLOSA DYSTROPHICA, GENERALIZED SEVERE, AUTOSOMAL RECESSIVE; DYSTROPHIC EPIDERMOLYSIS BULLOSA, AUTOSOMAL RECESSIVE; EPIDERMOLYSIS BULLOSA DYSTROPHICA, HALLOPEAU-SIEMENS TYPE; severe generalized recessive dystrophic epidermolysis bullosa; epidermolysis bullosa dystrophica, autosomal recessive. Identifiers: Orphanet 79408, Orphanet 79409, MedGen C0079474, MONDO:0009179, OMIM 226600.
Generalized dominant dystrophic epidermolysis bullosa (DDEB). Also called: Dominant DEB (DDEB); DDEB, generalized; DDEB-gen; DYSTROPHIC EPIDERMOLYSIS BULLOSA, AUTOSOMAL DOMINANT; Epidermolysis bullosa dystrophica, autosomal dominant. Identifiers: Orphanet 231568, MedGen C0432322, MONDO:0007549, OMIM 131750.
Epidermolysis bullosa dystrophica. Also called: Dystrophic epidermolysis bullosa, Hallopeau-Siemens type (formerly); Dystrophic epidermolysis bullosa. Identifiers: Orphanet 303, MedGen C0079294, MONDO:0006543.
Epidermolysis bullosa dystrophica inversa, autosomal recessive. Identifiers: MedGen C2673612.

Allele frequency attached by ClinVar (database versions not stated): gnomAD exomes 0.00025 and 0.00004; gnomAD 0.00010 and 0.00014; 1000 Genomes Project 0.00040; TOPMed 0.00013; ExAC 0.00030; 1000 Genomes Project 30x 0.00031.
gnomAD v4.1: 88 of 1,613,664 alleles (0.0055%); highest among the groups gnomAD compares: East Asian, 0.18%; 1 homozygote.

Submissions (5):

Labcorp Genetics (formerly Invitae), Labcorp
Classification: Likely benign. Last evaluated: 2026-01-14. Review status: criteria provided, single submitter. Criteria: Invitae Variant Classification Sherloc (09022015). Collection method: clinical testing. Allele origin: germline.

Illumina Laboratory Services, Illumina
Classification: Uncertain significance for Dystrophic epidermolysis bullosa. Last evaluated: 2017-04-27. Review status: criteria provided, single submitter. Criteria: ICSL Variant Classification Criteria 13 December 2019. Collection method: clinical testing. Allele origin: germline.
Comment: This variant was observed as part of a predisposition screen in an ostensibly healthy population. A literature search was performed for the gene, cDNA change, and amino acid change (where applicable). Publications were found based on this search. However, the evidence from the literature, in combination with allele frequency data from public databases where available, was not sufficient to rule this variant in or out of causing disease. Therefore, this variant is classified as a variant of unknown significance.

Soonchunhyang University Bucheon Hospital, Soonchunhyang University Medical Center
Classification: Uncertain significance for Generalized dominant dystrophic epidermolysis bullosa; Recessive dystrophic epidermolysis bullosa. Last evaluated: 2016-03-18. Review status: criteria provided, single submitter. Criteria: ACMG Guidelines, 2015. Collection method: reference population. Allele origin: germline. Observed: 1 variant allele.

Natera, Inc.
Classification: Uncertain significance for Autosomal recessive epidermolysis bullosa dystrophica inversa. Last evaluated: 2020-01-09. Review status: no assertion criteria provided. Collection method: clinical testing. Allele origin: germline. Not counted in ClinVar's aggregate classification.

Dr. Peter K. Rogan Lab, Western University
No classification provided (evidence only). Condition: Malignant tumor of esophagus. Review status: no classification provided. Collection method: in vitro. Allele origin: not applicable. Functional consequence: retained intron. Not counted in ClinVar's aggregate classification.

Literature cited by the submitters: PubMed 17916216 (cited by Illumina Laboratory Services, Illumina and Soonchunhyang University Bucheon Hospital, Soonchunhyang University Medical Center).